The following is an entry in ClinVar:

ClinVar aggregate classification (germline): Likely pathogenic (1 of 4 stars; one submission).

Conditions:
Spermatogenic failure 65 (SPGF65). Identifiers: MedGen C5562067, MONDO:0030531, OMIM 619712.

gnomAD v4.1: 19 of 1,551,728 alleles (0.0012%); highest among the groups gnomAD compares: South Asian, 0.012%; no homozygotes.

Submission:

Juno Genomics, Hangzhou Juno Genomics, Inc
Classification: Likely pathogenic for Spermatogenic failure 65. Review status: criteria provided, single submitter. Criteria: ACMG Guidelines, 2015. Collection method: clinical testing. Allele origin: germline.
Comment: Null variant in a gene where loss of function (LOF) is a known mechanism of disease.;Absent from controls (or at extremely low frequency if recessive) in Genome Aggregation Database.

NM_144666.3(DNHD1):c.4120C>T (p.Arg1374Ter)

Gene: DNHD1 (dynein heavy chain domain 1; plus strand). Cytogenetic location: 11p15.4.
Variant type: single nucleotide variant.
Coding change: c.4120C>T on transcript NM_144666.3 (MANE Select); coding-DNA position 4120, C replaced by T.
Protein change: p.Arg1374Ter; replaces arginine 1374 with a stop codon.
Molecular consequence: nonsense.
Genome position (GRCh38, 1-based): chr11:6,545,059, C>T. VCF-style: chr11-6545059-C-T. GRCh37 (hg19) VCF-style: chr11-6566289-C-T.
Other names: short protein forms R1374*.
Identifiers: ClinVar variation 5007894 (VCV005007894.2).